The following is an entry in ClinVar:

ClinVar aggregate classification (germline): Likely benign (1 of 4 stars; one submission).

Allele frequency attached by ClinVar (database versions not stated): TOPMed 0.00037; ExAC 0.00013; ESP Exome Variant Server 0.00034; gnomAD exomes 0.00010.
gnomAD v4.1: 116 of 1,596,914 alleles (0.0073%); highest among the groups gnomAD compares: African/African-American, 0.13%; 1 homozygote.

Submission:

GeneDx
Classification: Likely benign. Last evaluated: 2017-03-27. Review status: criteria provided, single submitter. Criteria: GeneDx Variant Classification (06012015). Collection method: clinical testing. Allele origin: germline. Affected: yes.
Comment: This variant is considered likely benign or benign based on one or more of the following criteria: it is a conservative change, it occurs at a poorly conserved position in the protein, it is predicted to be benign by multiple in silico algorithms, and/or has population frequency not consistent with disease.

NM_001458.5(FLNC):c.-36G>T

Gene: FLNC (filamin C; plus strand). Cytogenetic location: 7q32.1.
Variant type: single nucleotide variant.
Coding change: c.-36G>T on transcript NM_001458.5 (MANE Select); 36 bases upstream of the start codon, G replaced by T.
Molecular consequence: 5 prime UTR variant.
Genome position (GRCh38, 1-based): chr7:128,830,602, G>T. VCF-style: chr7-128830602-G-T. GRCh37 (hg19) VCF-style: chr7-128470656-G-T.
Other names: c.-36G>T (NM_001127487.2).
Identifiers: ClinVar variation 389113 (VCV000389113.1), dbSNP rs376490644, ClinGen allele CA4473934.